The following is an entry in ClinVar:

NM_001040142.2(SCN2A):c.122G>T (p.Arg41Leu)

Gene: SCN2A (sodium voltage-gated channel alpha subunit 2; plus strand). Cytogenetic location: 2q24.3.
Variant type: single nucleotide variant.
Coding change: c.122G>T on transcript NM_001040142.2 (MANE Select); coding-DNA position 122, G replaced by T.
Protein change: p.Arg41Leu; replaces arginine 41 with leucine.
Molecular consequence: missense variant.
Genome position (GRCh38, 1-based): chr2:165,295,945, G>T. VCF-style: chr2-165295945-G-T. GRCh37 (hg19) VCF-style: chr2-166152455-G-T.
Other names: c.122G>T (NM_021007.2); c.122G>T, p.Arg41Leu (NM_001040143.2, NM_001371246.1, NM_001371247.1 and 1 more transcripts); short protein forms R41L.
Identifiers: ClinVar variation 1415441 (VCV001415441.12), dbSNP rs754993031, ClinGen allele CA349010054.

ClinVar aggregate classification (germline): Uncertain significance. Review status: criteria provided, multiple submitters, no conflicts (2 of 4 stars). 4 submissions from 4 submitters: Uncertain significance (4). Last evaluated 2025-03-24.

Conditions:
Developmental and epileptic encephalopathy, 11 (DEE11). Also called: Early infantile epileptic encephalopathy 11. Identifiers: Orphanet 1934, MedGen C3150987, MONDO:0013388, OMIM 613721.
Seizures, benign familial infantile, 3 (BFIS3). Also called: CONVULSIONS, BENIGN FAMILIAL INFANTILE, 3; Familial neonatal seizures. Identifiers: Orphanet 140927, Orphanet 306, MedGen C1843140, MONDO:0011904, OMIM 607745.
SCN2A-related disorder. Also called: SCN2A-related condition; SCN2A-related disorders. Identifiers: MedGen CN382226, MONDO:1060245.

gnomAD v4.1: 1 of 1,614,096 alleles (0.000062%); highest among the groups gnomAD compares: Admixed American, 0.0017%; no homozygotes.

Submissions (4):

PreventionGenetics, part of Exact Sciences
Classification: Uncertain significance for SCN2A-related condition. Last evaluated: 2025-03-24. Review status: criteria provided, single submitter. Criteria: ACMG Guidelines, 2015. Collection method: clinical testing. Allele origin: germline.
Comment: The SCN2A c.122G>T variant is predicted to result in the amino acid substitution p.Arg41Leu. To our knowledge, this variant has not been reported in the literature. This variant is reported in 0.0029% of alleles in individuals of Latino descent in gnomAD. At this time, the clinical significance of this variant is uncertain due to the absence of conclusive functional and genetic evidence.

Athena Diagnostics
Classification: Uncertain significance. Last evaluated: 2024-09-24. Review status: criteria provided, single submitter. Criteria: Athena Diagnostics Criteria. Collection method: clinical testing. Allele origin: unknown.
Comment: Available data are insufficient to determine the clinical significance of the variant at this time. The frequency of this variant in the general population is uninformative in assessment of its pathogenicity. Polyphen and MutationTaster yielded discordant predictions regarding whether this amino acid change is damaging to the protein.

GeneDx
Classification: Uncertain significance. Last evaluated: 2024-04-29. Review status: criteria provided, single submitter. Criteria: GeneDx Variant Classification Process June 2021. Collection method: clinical testing. Allele origin: germline. Affected: yes.
Comment: Not observed at significant frequency in large population cohorts (gnomAD); In silico analysis supports that this missense variant has a deleterious effect on protein structure/function; Has not been previously published as pathogenic or benign to our knowledge; This substitution is predicted to be within the N-terminal cytoplasmic domain

Labcorp Genetics (formerly Invitae), Labcorp
Classification: Uncertain significance for Seizures, benign familial infantile, 3; Developmental and epileptic encephalopathy, 11. Last evaluated: 2021-07-21. Review status: criteria provided, single submitter. Criteria: Invitae Variant Classification Sherloc (09022015). Collection method: clinical testing. Allele origin: germline.
Comment: In summary, the available evidence is currently insufficient to determine the role of this variant in disease. Therefore, it has been classified as a Variant of Uncertain Significance. Algorithms developed to predict the effect of missense changes on protein structure and function are either unavailable or do not agree on the potential impact of this missense change (SIFT: "Deleterious"; PolyPhen-2: "Benign"; Align-GVGD: "Class C0"). This variant has not been reported in the literature in individuals affected with SCN2A-related conditions. This variant is not present in population databases (ExAC no frequency). This sequence change replaces arginine with leucine at codon 41 of the SCN2A protein (p.Arg41Leu). The arginine residue is highly conserved and there is a moderate physicochemical difference between arginine and leucine.